The following is an entry in ClinVar:

NM_031418.4(ANO3):c.1505A>G (p.Asp502Gly)

Gene: ANO3 (anoctamin 3; plus strand). Cytogenetic location: 11p14.2.
Variant type: single nucleotide variant.
Coding change: c.1505A>G on transcript NM_031418.4 (MANE Select); coding-DNA position 1505, A replaced by G.
Protein change: p.Asp502Gly; replaces aspartic acid 502 with glycine.
Molecular consequence: missense variant.
Genome position (GRCh38, 1-based): chr11:26,598,422, A>G. VCF-style: chr11-26598422-A-G. GRCh37 (hg19) VCF-style: chr11-26619969-A-G.
Other names: c.1688A>G, p.Asp563Gly (NM_001313726.2); c.1067A>G, p.Asp356Gly (NM_001313727.2); short protein forms D563G, D356G, D502G.
Identifiers: ClinVar variation 1044064 (VCV001044064.8), dbSNP rs920172811, ClinGen allele CA219396430.
Genomic context (GRCh38, chr11:26,598,422, plus strand): 5'-TAGCCACAGTCTTCCTGGAGTTTTGGAAAAGGAGAAGGAGTATACTGACCTATACTTGGG[A>G]CCTTATCGAATGGGAAGAAGAGGAGGTAAGATGTTAGGATACAAGGAAATAGGGAAACTG-3'
Protein context (NP_113606.2, residues 492-512): RRRSILTYTW[Asp502Gly]LIEWEEEEET

ClinVar aggregate classification (germline): Uncertain significance (1 of 4 stars; one submission).

Conditions:
Dystonic disorder. Also called: Dystonia. Identifiers: MedGen C0013421, MONDO:0003441, HP:0001332.

Allele frequency attached by ClinVar (database versions not stated): TOPMed below 0.00001.

Submission:

Labcorp Genetics (formerly Invitae), Labcorp
Classification: Uncertain significance for Dystonic disorder. Last evaluated: 2022-03-08. Review status: criteria provided, single submitter. Criteria: Invitae Variant Classification Sherloc (09022015). Collection method: clinical testing. Allele origin: germline.
Comment: In summary, the available evidence is currently insufficient to determine the role of this variant in disease. Therefore, it has been classified as a Variant of Uncertain Significance. Advanced modeling of protein sequence and biophysical properties (such as structural, functional, and spatial information, amino acid conservation, physicochemical variation, residue mobility, and thermodynamic stability) performed at Invitae indicates that this missense variant is expected to disrupt ANO3 protein function. ClinVar contains an entry for this variant (Variation ID: 1044064). This variant has not been reported in the literature in individuals affected with ANO3-related conditions. This variant is not present in population databases (gnomAD no frequency). This sequence change replaces aspartic acid, which is acidic and polar, with glycine, which is neutral and non-polar, at codon 502 of the ANO3 protein (p.Asp502Gly).